The following is an entry in ClinVar:

NM_002778.4(PSAP):c.1274A>G (p.Lys425Arg)

Gene: PSAP (prosaposin; minus strand). Cytogenetic location: 10q22.1.
Variant type: single nucleotide variant.
Coding change: c.1274A>G on transcript NM_002778.4 (MANE Select); coding-DNA position 1274, A replaced by G.
Protein change: p.Lys425Arg; replaces lysine 425 with arginine.
Molecular consequence: missense variant.
Genome position (GRCh38, 1-based): chr10:71,819,541, T>C on the plus strand (A>G on the coding strand, the complement: PSAP is on the minus strand). VCF-style: chr10-71819541-T-C. GRCh37 (hg19) VCF-style: chr10-73579298-T-C.
Other names: c.1283A>G, p.Lys428Arg (NM_001042465.3); c.1280A>G, p.Lys427Arg (NM_001042466.3); short protein forms K425R, K428R, K427R.
Identifiers: ClinVar variation 1506357 (VCV001506357.5), dbSNP rs748822422, ClinGen allele CA5547414.
Genomic context (GRCh38, chr10:71,819,541, plus strand): 5'-TCTGGCAGGAAGCTGCAGCCTTTCTCAAGAGCAGCCAGGATCTCCTGCTTGGTGCTGTTT[T>C]TCTCCAGGTTGCGATCCAAATAACCCACCAGCTTCTTGCACACTTCGCAGAAGCCACCGT-3'
Protein context (NP_002769.1, residues 415-435): LVGYLDRNLE[Lys425Arg]NSTKQEILAA

ClinVar aggregate classification (germline): Uncertain significance (1 of 4 stars; one submission).

Conditions:
Sphingolipid activator protein 1 deficiency. Also called: METACHROMATIC LEUKODYSTROPHY DUE TO CEREBROSIDE SULFATASE ACTIVATOR DEFICIENCY; Metachromatic leukodystrophy due to saposin B deficiency; Saposin B Deficiency. Identifiers: Orphanet 512, MedGen C0268262, MONDO:0009590, OMIM 249900.

Allele frequency attached by ClinVar (database versions not stated): ExAC 0.00001; gnomAD exomes 0.00001; TOPMed 0.00001.
gnomAD v4.1: 5 of 1,614,208 alleles (0.00031%); highest among the groups gnomAD compares: Non-Finnish European, 0.00042%; no homozygotes.

Submission:

Labcorp Genetics (formerly Invitae), Labcorp
Classification: Uncertain significance for Sphingolipid activator protein 1 deficiency. Last evaluated: 2022-03-19. Review status: criteria provided, single submitter. Criteria: Invitae Variant Classification Sherloc (09022015). Collection method: clinical testing. Allele origin: germline.
Comment: This sequence change replaces lysine with arginine at codon 425 of the PSAP protein (p.Lys425Arg). The lysine residue is highly conserved and there is a small physicochemical difference between lysine and arginine. This variant is present in population databases (rs748822422, gnomAD 0.003%). This variant has not been reported in the literature in individuals affected with PSAP-related conditions. Algorithms developed to predict the effect of missense changes on protein structure and function are either unavailable or do not agree on the potential impact of this missense change (SIFT: "Not Available"; PolyPhen-2: "Possibly Damaging"; Align-GVGD: "Not Available"). In summary, the available evidence is currently insufficient to determine the role of this variant in disease. Therefore, it has been classified as a Variant of Uncertain Significance.